The following is an entry in ClinVar:

ClinVar aggregate classification (germline): Uncertain significance (1 of 4 stars; one submission).

Conditions:
Pityriasis rubra pilaris (PRP). Also called: Pityriasis rubra pilaris--familial type. Identifiers: Orphanet 2897, MedGen C0032027, MONDO:0100017, OMIM 173200, MONDO:0008251.
Psoriasis 2. Identifiers: MedGen C1864497, MONDO:0011269, OMIM 602723.

Allele frequency attached by ClinVar (database versions not stated): gnomAD 0.00001.
gnomAD v4.1: 1 of 1,598,508 alleles (0.000063%); highest among the groups gnomAD compares: Admixed American, 0.0017%; no homozygotes.

Submission:

Labcorp Genetics (formerly Invitae), Labcorp
Classification: Uncertain significance for Pityriasis rubra pilaris; Psoriasis 2. Last evaluated: 2023-08-16. Review status: criteria provided, single submitter. Criteria: Invitae Variant Classification Sherloc (09022015). Collection method: clinical testing. Allele origin: germline.
Comment: In summary, the available evidence is currently insufficient to determine the role of this variant in disease. Therefore, it has been classified as a Variant of Uncertain Significance. Advanced modeling of protein sequence and biophysical properties (such as structural, functional, and spatial information, amino acid conservation, physicochemical variation, residue mobility, and thermodynamic stability) has been performed at Invitae for this missense variant, however the output from this modeling did not meet the statistical confidence thresholds required to predict the impact of this variant on CARD14 protein function. ClinVar contains an entry for this variant (Variation ID: 2414706). This variant has not been reported in the literature in individuals affected with CARD14-related conditions. This variant is present in population databases (no rsID available, gnomAD 0.1%). This sequence change replaces glutamine, which is neutral and polar, with histidine, which is basic and polar, at codon 1001 of the CARD14 protein (p.Gln1001His).

NM_001366385.1(CARD14):c.3003G>C (p.Gln1001His)

Genes: CARD14 (caspase recruitment domain family member 14; plus strand), SGSH (N-sulfoglucosamine sulfohydrolase; minus strand). Cytogenetic location: 17q25.3.
Variant type: single nucleotide variant.
Coding change: c.3003G>C on transcript NM_001366385.1 (MANE Select); coding-DNA position 3003, G replaced by C.
Protein change: p.Gln1001His; replaces glutamine 1001 with histidine.
Molecular consequence: missense variant. On other transcripts: non-coding transcript variant (1).
Genome position (GRCh38, 1-based): chr17:80,208,333, G>C. VCF-style: chr17-80208333-G-C. GRCh37 (hg19) VCF-style: chr17-78182132-G-C.
Other names: c.3003G>C, p.Gln1001His (NM_024110.4); short protein forms Q1001H.
Identifiers: ClinVar variation 2414706 (VCV002414706.7), dbSNP rs1400868858, ClinGen allele CA401357817.